The following is an entry in ClinVar:

ClinVar aggregate classification (germline): Benign (0 of 4 stars; one submission).

Conditions:
PADI3-related disorder. Also called: PADI3-related condition.

Allele frequency attached by ClinVar (database versions not stated): 1000 Genomes Project 30x 0.06043; 1000 Genomes Project 0.06070; TOPMed 0.10026; ESP Exome Variant Server 0.11064; gnomAD 0.11151; ExAC 0.12185; gnomAD exomes 0.14754.
gnomAD v4.1: 231,425 of 1,613,072 alleles (14%); highest among the groups gnomAD compares: Non-Finnish European, 17%; 18,750 homozygotes.

Submission:

PreventionGenetics, part of Exact Sciences
Classification: Benign for PADI3-related condition. Last evaluated: 2019-10-30. Review status: no assertion criteria provided. Collection method: clinical testing. Allele origin: germline.
Comment: This variant is classified as benign based on ACMG/AMP sequence variant interpretation guidelines (Richards et al. 2015 PMID: 25741868, with internal and published modifications).

NM_016233.2(PADI3):c.1191C>T (p.Arg397=)

Gene: PADI3 (peptidyl arginine deiminase 3; plus strand). Cytogenetic location: 1p36.13.
Variant type: single nucleotide variant.
Coding change: c.1191C>T on transcript NM_016233.2 (MANE Select); coding-DNA position 1191, C replaced by T.
Protein change: p.Arg397=; no amino-acid change (arginine 397 retained).
Molecular consequence: synonymous variant.
Genome position (GRCh38, 1-based): chr1:17,274,670, C>T. VCF-style: chr1-17274670-C-T. GRCh37 (hg19) VCF-style: chr1-17601165-C-T.
Identifiers: ClinVar variation 3059201 (VCV003059201.2), dbSNP rs11585357, ClinGen allele CA640008.
Genomic context (GRCh38, chr1:17,274,670, plus strand): 5'-CGCCTGACTTGGTTTCCCTCTCCAGGGTCCAGATTTTGGTTACGTGACTCGGGAACCACG[C>T]GACAGGTCTGTGAGTGGCCTGGACTCCTTTGGGAACCTGGAGGTCAGCCCTCCAGTGGTG-3'
Protein context (NP_057317.2, residues 387-407): PDFGYVTREP[Arg397=]DRSVSGLDSF